The following is an entry in ClinVar:

NM_177438.3(DICER1):c.4231G>T (p.Gly1411Cys)

Gene: DICER1 (dicer 1, ribonuclease III; minus strand). Cytogenetic location: 14q32.13.
Variant type: single nucleotide variant.
Coding change: c.4231G>T on transcript NM_177438.3 (MANE Select); coding-DNA position 4231, G replaced by T.
Protein change: p.Gly1411Cys; replaces glycine 1411 with cysteine.
Molecular consequence: missense variant. On other transcripts: non-coding transcript variant (6).
Genome position (GRCh38, 1-based): chr14:95,096,689, C>A on the plus strand (G>T on the coding strand, the complement: DICER1 is on the minus strand). VCF-style: chr14-95096689-C-A. GRCh37 (hg19) VCF-style: chr14-95563026-C-A.
Other names: c.4231G>T, p.Gly1411Cys (NM_001195573.1, NM_001271282.3, NM_001291628.2 and 12 more transcripts); c.3949G>T, p.Gly1317Cys (NM_001395686.1); c.3826G>T, p.Gly1276Cys (NM_001395687.1, NM_001395688.1, NM_001395689.1 and 2 more transcripts); c.3664G>T, p.Gly1222Cys (NM_001395691.1); c.2548G>T, p.Gly850Cys (NM_001395697.1); short protein forms G1317C, G1222C, G1276C, G1411C, G850C.
Identifiers: ClinVar variation 4240544 (VCV004240544.1).

ClinVar aggregate classification (germline): Uncertain significance (1 of 4 stars; one submission).

Conditions:
Hereditary cancer-predisposing syndrome. Also called: Hereditary Cancer Syndrome; Hereditary neoplastic syndrome; Neoplastic Syndromes, Hereditary; Tumor predisposition. Identifiers: Orphanet 140162, MedGen C0027672, MeSH D009386, MONDO:0015356.

Submission:

Ambry Genetics
Classification: Uncertain significance for Hereditary cancer-predisposing syndrome. Last evaluated: 2025-09-08. Review status: criteria provided, single submitter. Criteria: Ambry Variant Classification Scheme 2023. Collection method: clinical testing. Allele origin: germline.
Comment: The p.G1411C variant (also known as c.4231G>T), located in coding exon 22 of the DICER1 gene, results from a G to T substitution at nucleotide position 4231. The glycine at codon 1411 is replaced by cysteine, an amino acid with highly dissimilar properties. This amino acid position is conserved. In addition, this alteration is predicted to be deleterious by in silico analysis. Based on the available evidence, the clinical significance of this variant remains unclear.